The following is an entry in ClinVar:

NM_001105206.3(LAMA4):c.3968+3A>G

Gene: LAMA4 (laminin subunit alpha 4; minus strand). Cytogenetic location: 6q21.
Variant type: single nucleotide variant.
Coding change: c.3968+3A>G on transcript NM_001105206.3 (MANE Select); 3 bases into the intron after coding-DNA position 3968, A replaced by G.
Molecular consequence: intron variant.
Genome position (GRCh38, 1-based): chr6:112,130,965, T>C on the plus strand (A>G on the coding strand, the complement: LAMA4 is on the minus strand). VCF-style: chr6-112130965-T-C. GRCh37 (hg19) VCF-style: chr6-112452167-T-C.
Other names: c.3947+3A>G (NM_002290.5, NM_001105207.3).
Identifiers: ClinVar variation 3866207 (VCV003866207.1).
Genomic context (GRCh38, chr6:112,130,965, plus strand): 5'-TTTTGACATAATCATGTCCCACAAATAGACATGGTGGAAAGAATATGAAGTGAGGAGCTA[T>C]ACCTTGTGGGTGAGACAGAGCTAATGACGAAGTGGGACAGCCCATCATTGTACTGCTTAT-3'

ClinVar aggregate classification (germline): Uncertain significance (1 of 4 stars; one submission).

Conditions:
Cardiovascular phenotype. Identifiers: MedGen CN230736.

Submission:

Ambry Genetics
Classification: Uncertain significance for Cardiovascular phenotype. Last evaluated: 2025-01-24. Review status: criteria provided, single submitter. Criteria: Ambry Variant Classification Scheme 2023. Collection method: clinical testing. Allele origin: germline.
Comment: The c.3947+3A>G intronic variant results from an A to G substitution 3 nucleotides after coding exon 28 in the LAMA4 gene. This nucleotide position is highly conserved in available vertebrate species. In silico splice site analysis predicts that this alteration will weaken the native splice donor site. The evidence for this gene-disease relationship is limited; therefore, the clinical significance of this alteration is unclear.